The following is an entry in ClinVar:

NM_022893.4(BCL11A):c.457A>T (p.Met153Leu)

Gene: BCL11A (BCL11 transcription factor A; minus strand). Cytogenetic location: 2p16.1.
Variant type: single nucleotide variant.
Coding change: c.457A>T on transcript NM_022893.4 (MANE Select); coding-DNA position 457, A replaced by T.
Protein change: p.Met153Leu; replaces methionine 153 with leucine.
Molecular consequence: missense variant. On other transcripts: initiator codon variant (5), non-coding transcript variant (1), intron variant (10).
Genome position (GRCh38, 1-based): chr2:60,468,762, T>A on the plus strand (A>T on the coding strand, the complement: BCL11A is on the minus strand). VCF-style: chr2-60468762-T-A. GRCh37 (hg19) VCF-style: chr2-60695897-T-A.
Other names: c.301A>T, p.Met101Leu (NM_001405714.1, NM_001405715.1, NM_001405716.1 and 6 more transcripts); c.124A>T, p.Met42Leu (NM_001405720.1, NM_001405721.1); c.1A>T, p.Met1Leu (NM_001405725.1, NM_001405726.1, NM_001405727.1 and 2 more transcripts); c.457A>T, p.Met153Leu (NM_001405730.1, NM_001405732.1, NM_018014.4 and 4 more transcripts); c.386-6338A>T (NM_001363864.1, NM_001405733.1, NM_001405719.1 and 3 more transcripts); c.230-6338A>T (NM_001405736.1, NM_001405724.1, NM_001405718.1 and 1 more transcripts); short protein forms M101L, M153L, M1L, M42L.
Identifiers: ClinVar variation 1806566 (VCV001806566.1), dbSNP rs927782438, ClinGen allele CA49018469.
Genomic context (GRCh38, chr2:60,468,762, plus strand): 5'-CATTTGTAGAAGAAATAAGGCTCAACTTACAAATACCCTGCGGGGCATATTCTGCACTCA[T>A]CCCAGGCGTGGGGATTAGAGCTCCATGTGCAGAACGAGGGGAGGAGAGGCCCCTCCAGTG-3'
Protein context (NP_075044.2, residues 143-163): AHGALIPTPG[Met153Leu]SAEYAPQGIC

ClinVar aggregate classification (germline): Uncertain significance (1 of 4 stars; one submission).

Allele frequency attached by ClinVar (database versions not stated): gnomAD 0.00001; TOPMed 0.00001.

Submission:

GeneDx
Classification: Uncertain significance. Last evaluated: 2022-06-20. Review status: criteria provided, single submitter. Criteria: GeneDx Variant Classification Process June 2021. Collection method: clinical testing. Allele origin: germline. Affected: yes.
Comment: Not observed at significant frequency in large population cohorts (gnomAD); In silico analysis supports that this missense variant does not alter protein structure/function; Has not been previously published as pathogenic or benign to our knowledge